The following is an entry in ClinVar:

ClinVar aggregate classification (germline): not provided (0 of 4 stars; one submission).

Allele frequency attached by ClinVar (database versions not stated): gnomAD 0.00001; gnomAD exomes 0.00001; TOPMed 0.00001.
gnomAD v4.1: 13 of 1,614,054 alleles (0.00081%); highest among the groups gnomAD compares: Non-Finnish European, 0.0011%; no homozygotes.

Submission:

ITMI
No classification provided. Condition: AllHighlyPenetrant. Last evaluated: 2013-09-19. Review status: no classification provided. Collection method: reference population. Allele origin: germline.
Comment: Please see associated publication for description of ethnicities

Literature cited by the submitters: PubMed 24728327.

NM_001127208.3(TET2):c.2549A>G (p.His850Arg)

Genes: TET2 (tet methylcytosine dioxygenase 2; plus strand), TET2-AS1 (TET2 antisense RNA 1; minus strand). Cytogenetic location: 4q24.
Variant type: single nucleotide variant.
Coding change: c.2549A>G on transcript NM_001127208.3 (MANE Select); coding-DNA position 2549, A replaced by G.
Protein change: p.His850Arg; replaces histidine 850 with arginine.
Molecular consequence: missense variant.
Genome position (GRCh38, 1-based): chr4:105,236,491, A>G. VCF-style: chr4-105236491-A-G. GRCh37 (hg19) VCF-style: chr4-106157648-A-G.
Other names: c.2549A>G, p.His850Arg (NM_017628.4); short protein forms H850R.
Identifiers: ClinVar variation 135304 (VCV000135304.1), dbSNP rs369370690, ClinGen allele CA162285.